The following is an entry in ClinVar:

ClinVar aggregate classification (germline): Uncertain significance. Review status: criteria provided, multiple submitters, no conflicts (2 of 4 stars). 3 submissions from 3 submitters: Uncertain significance (2). 1 of the submissions does not count toward it. Last evaluated 2022-07-10.

Conditions:
Platelet-type bleeding disorder 8 (BDPLT8). Also called: BLEEDING DISORDER DUE TO P2RY12 DEFECT; Bleeding disorder due to p2rx1 defect, somatic. Identifiers: Orphanet 36355, MedGen C1853278, MONDO:0012354, OMIM 609821.

Allele frequency attached by ClinVar (database versions not stated): ExAC 0.00001; gnomAD exomes 0.00001; TOPMed 0.00003.
gnomAD v4.1: 18 of 1,613,918 alleles (0.0011%); highest among the groups gnomAD compares: Admixed American, 0.005%; no homozygotes.

Submissions (3):

Labcorp Genetics (formerly Invitae), Labcorp
Classification: Uncertain significance. Last evaluated: 2022-07-10. Review status: criteria provided, single submitter. Criteria: Invitae Variant Classification Sherloc (09022015). Collection method: clinical testing. Allele origin: germline.
Comment: This sequence change replaces arginine, which is basic and polar, with tryptophan, which is neutral and slightly polar, at codon 265 of the P2RY12 protein (p.Arg265Trp). This variant is present in population databases (rs121917886, gnomAD 0.006%). In summary, the available evidence is currently insufficient to determine the role of this variant in disease. Therefore, it has been classified as a Variant of Uncertain Significance. Experimental studies have shown that this missense change affects P2RY12 function (PMID: 12578987, 29117459). Algorithms developed to predict the effect of missense changes on protein structure and function (SIFT, PolyPhen-2, Align-GVGD) all suggest that this variant is likely to be disruptive. ClinVar contains an entry for this variant (Variation ID: 9083). This missense change has been observed in individual(s) with bleeding disorder (PMID: 12578987, 32100410).

Mendelics
Classification: Uncertain significance. Last evaluated: 2022-05-04. Review status: criteria provided, single submitter. Criteria: Mendelics Assertion Criteria 2019. Collection method: clinical testing. Allele origin: germline.

OMIM
Classification: Pathogenic for BLEEDING DISORDER, PLATELET-TYPE, 8. Last evaluated: 2017-06-14. Review status: no assertion criteria provided. Collection method: literature only. Allele origin: germline. Not counted in ClinVar's aggregate classification.

Literature cited by the submitters: PubMed 12578987 (cited by Labcorp Genetics (formerly Invitae), Labcorp); PubMed 29117459 (cited by Labcorp Genetics (formerly Invitae), Labcorp); PubMed 32100410 (cited by Labcorp Genetics (formerly Invitae), Labcorp); PubMed 20966167 (cited by OMIM).

NM_022788.5(P2RY12):c.793C>T (p.Arg265Trp)

Genes: P2RY12 (purinergic receptor P2Y12; minus strand), MED12L (mediator complex subunit 12L; plus strand). Cytogenetic location: 3q25.1.
Variant type: single nucleotide variant.
Coding change: c.793C>T on transcript NM_022788.5 (MANE Select); coding-DNA position 793, C replaced by T.
Protein change: p.Arg265Trp; replaces arginine 265 with tryptophan.
Molecular consequence: missense variant. On other transcripts: intron variant (2).
Genome position (GRCh38, 1-based): chr3:151,338,053, G>A on the plus strand (C>T on the coding strand, the complement: P2RY12 is on the minus strand). VCF-style: chr3-151338053-G-A. GRCh37 (hg19) VCF-style: chr3-151055841-G-A.
Other names: P2RY12, ARG265TRP; c.793C>T, p.Arg265Trp (NM_176876.3); c.2251-12006G>A (NM_001393769.1); c.2146-12006G>A (NM_053002.6); short protein forms R265W.
Identifiers: ClinVar variation 9083 (VCV000009083.7), dbSNP rs121917886, ClinGen allele CA120106.